The following is an entry in ClinVar:

ClinVar aggregate classification (germline): Uncertain significance (1 of 4 stars; one submission).

gnomAD v4.1: 76 of 1,612,046 alleles (0.0047%); highest among the groups gnomAD compares: East Asian, 0.0067%; no homozygotes.

Submission:

Labcorp Genetics (formerly Invitae), Labcorp
Classification: Uncertain significance. Last evaluated: 2025-08-26. Review status: criteria provided, single submitter. Criteria: Invitae Variant Classification Sherloc (09022015). Collection method: clinical testing. Allele origin: germline.
Comment: This sequence change affects codon 421 of the POLR3B mRNA. It is a 'silent' change, meaning that it does not change the encoded amino acid sequence of the POLR3B protein. It affects a nucleotide within the consensus splice site. This variant is present in population databases (rs367607316, gnomAD 0.01%). This variant has not been reported in the literature in individuals affected with POLR3B-related conditions. ClinVar contains an entry for this variant (Variation ID: 1984973). Algorithms developed to predict the effect of sequence changes on RNA splicing suggest that this variant is not likely to affect RNA splicing. In summary, the available evidence is currently insufficient to determine the role of this variant in disease. Therefore, it has been classified as a Variant of Uncertain Significance.

NM_018082.6(POLR3B):c.1263C>T (p.Thr421=)

Gene: POLR3B (RNA polymerase III subunit B; plus strand). Cytogenetic location: 12q23.3.
Variant type: single nucleotide variant.
Coding change: c.1263C>T on transcript NM_018082.6 (MANE Select); coding-DNA position 1263, C replaced by T.
Protein change: p.Thr421=; no amino-acid change (threonine 421 retained).
Molecular consequence: synonymous variant.
Genome position (GRCh38, 1-based): chr12:106,427,358, C>T. VCF-style: chr12-106427358-C-T. GRCh37 (hg19) VCF-style: chr12-106821136-C-T.
Other names: c.1089C>T, p.Thr363= (NM_001160708.2).
Identifiers: ClinVar variation 1984973 (VCV001984973.4), dbSNP rs367607316, ClinGen allele CA6761903.